The following is an entry in ClinVar:

ClinVar aggregate classification (germline): Uncertain significance. Review status: criteria provided, multiple submitters, no conflicts (2 of 4 stars). 2 submissions from 2 submitters: Uncertain significance (2). Last evaluated 2022-07-02.

Conditions:
Hereditary cancer-predisposing syndrome. Also called: Tumor predisposition; Hereditary neoplastic syndrome; Hereditary Cancer Syndrome; Neoplastic Syndromes, Hereditary. Identifiers: Orphanet 140162, MedGen C0027672, MeSH D009386, MONDO:0015356.
Hereditary nonpolyposis colorectal neoplasms. Identifiers: MedGen C0009405, MeSH D003123.

Submissions (2):

Ambry Genetics
Classification: Uncertain significance for Hereditary cancer-predisposing syndrome. Last evaluated: 2022-07-02. Review status: criteria provided, single submitter. Criteria: Ambry Variant Classification Scheme 2023. Collection method: clinical testing. Allele origin: germline.
Comment: The p.E487V variant (also known as c.1460A>T), located in coding exon 4 of the MSH6 gene, results from an A to T substitution at nucleotide position 1460. The glutamic acid at codon 487 is replaced by valine, an amino acid with dissimilar properties. This amino acid position is conserved. In addition, this alteration is predicted to be deleterious by in silico analysis. Since supporting evidence is limited at this time, the clinical significance of this alteration remains unclear.

Labcorp Genetics (formerly Invitae), Labcorp
Classification: Uncertain significance for Hereditary nonpolyposis colorectal neoplasms. Last evaluated: 2019-10-25. Review status: criteria provided, single submitter. Criteria: Invitae Variant Classification Sherloc (09022015). Collection method: clinical testing. Allele origin: germline.
Comment: This variant has not been reported in the literature in individuals with MSH6-related disease. This variant is not present in population databases (ExAC no frequency). This sequence change replaces glutamic acid with valine at codon 487 of the MSH6 protein (p.Glu487Val). The glutamic acid residue is highly conserved and there is a moderate physicochemical difference between glutamic acid and valine. Algorithms developed to predict the effect of missense changes on protein structure and function (SIFT, PolyPhen-2, Align-GVGD) all suggest that this variant is likely to be disruptive, but these predictions have not been confirmed by published functional studies and their clinical significance is uncertain. Algorithms developed to predict the effect of sequence changes on RNA splicing suggest that this variant may create or strengthen a splice site, but this prediction has not been confirmed by published transcriptional studies. In summary, the available evidence is currently insufficient to determine the role of this variant in disease. Therefore, it has been classified as a Variant of Uncertain Significance.

NM_000179.3(MSH6):c.1460A>T (p.Glu487Val)

Gene: MSH6 (mutS homolog 6; plus strand). Cytogenetic location: 2p16.3.
Variant type: single nucleotide variant.
Coding change: c.1460A>T on transcript NM_000179.3 (MANE Select); coding-DNA position 1460, A replaced by T.
Protein change: p.Glu487Val; replaces glutamic acid 487 with valine.
Molecular consequence: missense variant.
Genome position (GRCh38, 1-based): chr2:47,799,443, A>T. VCF-style: chr2-47799443-A-T. GRCh37 (hg19) VCF-style: chr2-48026582-A-T.
Other names: c.1070A>T, p.Glu357Val (NM_001281492.2); c.554A>T, p.Glu185Val (NM_001281493.2, NM_001281494.2); short protein forms E487V, E185V, E357V.
Identifiers: ClinVar variation 576429 (VCV000576429.13), dbSNP rs1558661766, ClinGen allele CA346745787.